The following is an entry in ClinVar:

ClinVar aggregate classification (germline): Likely benign (1 of 4 stars; one submission).

Submission:

CeGaT Center for Human Genetics Tuebingen
Classification: Likely benign. Last evaluated: 2024-07-01. Review status: criteria provided, single submitter. Criteria: CeGaT Center For Human Genetics Tuebingen Variant Classification Criteria Version 2. Collection method: clinical testing. Allele origin: germline. Affected: yes. Observed: 2 variant alleles.
Comment: HRAS: PM2:Supporting, BP4, BP7

NM_005343.4(HRAS):c.483T>G (p.Arg161=)

Genes: HRAS (HRas proto-oncogene, GTPase; minus strand), LRRC56 (leucine rich repeat containing 56; plus strand). Cytogenetic location: 11p15.5.
Variant type: single nucleotide variant.
Coding change: c.483T>G on transcript NM_005343.4 (MANE Select); coding-DNA position 483, T replaced by G.
Protein change: p.Arg161=; no amino-acid change (arginine 161 retained).
Molecular consequence: synonymous variant. On other transcripts: 3 prime UTR variant (1).
Genome position (GRCh38, 1-based): chr11:532,723, A>C on the plus strand (T>G on the coding strand, the complement: HRAS is on the minus strand). VCF-style: chr11-532723-A-C. GRCh37 (hg19) VCF-style: chr11-532723-A-C.
Other names: c.483T>G, p.Arg161= (NM_001130442.3); c.246T>G, p.Arg82= (NM_001318054.2); c.*52T>G (NM_176795.5).
Identifiers: ClinVar variation 2641068 (VCV002641068.24), dbSNP rs2133982410, ClinGen allele CA472322500.
Genomic context (GRCh38, chr11:532,723, plus strand): 5'-GCAGCCGGGGCCACTCTCATCAGGAGGGTTCAGCTTCCGCAGCTTGTGCTGCCGGATCTC[A>C]CGCACCAACGTGTAGAAGGCATCCTCCACTCCCTGGGAAAGGAGGGATGGGATCAGGAGG-3'
Protein context (NP_005334.1, residues 151-171): GVEDAFYTLV[Arg161=]EIRQHKLRKL